The following is an entry in ClinVar:

NM_004958.4(MTOR):c.889_891del (p.Asp297del)

Gene: MTOR (mechanistic target of rapamycin kinase; minus strand). Cytogenetic location: 1p36.22.
Variant type: Deletion.
Coding change: c.889_891del on transcript NM_004958.4 (MANE Select); coding-DNA positions 889 to 891, 3 bases deleted (GAC; older notation c.889_891delGAC).
Protein change: p.Asp297del; deletes aspartic acid 297.
Molecular consequence: inframe deletion. On other transcripts: 5 prime UTR variant (1).
Genome position (GRCh38, 1-based): chr1:11,248,044-11,248,046, GTC deleted on the plus strand (GAC on the coding strand, the reverse complement: MTOR is on the minus strand); deleting any 3 consecutive bases within chr1:11,248,044-11,248,048 gives the same sequence; the c. name uses the placement nearest the transcript's 3' end. VCF-style (leftmost placement, unchanged base first): chr1-11248043-TGTC-T. GRCh37 (hg19) VCF-style: chr1-11308100-TGTC-T.
Other names: c.889_891del, p.Asp297del (NM_001386500.1); c.-251_-249del (NM_001386501.1); short protein forms D297del.
Identifiers: ClinVar variation 2738498 (VCV002738498.3), dbSNP rs766160565, ClinGen allele CA590849.

ClinVar aggregate classification (germline): Uncertain significance (1 of 4 stars; one submission).

Submission:

Labcorp Genetics (formerly Invitae), Labcorp
Classification: Uncertain significance. Last evaluated: 2025-07-08. Review status: criteria provided, single submitter. Criteria: Invitae Variant Classification Sherloc (09022015). Collection method: clinical testing. Allele origin: germline.
Comment: This variant, c.889_891del, results in the deletion of 1 amino acid(s) of the MTOR protein (p.Asp297del), but otherwise preserves the integrity of the reading frame. This variant is present in population databases (rs766160565, gnomAD 0.006%). This variant has not been reported in the literature in individuals affected with MTOR-related conditions. ClinVar contains an entry for this variant (Variation ID: 2738498). Experimental studies and prediction algorithms are not available or were not evaluated, and the functional significance of this variant is currently unknown. In summary, the available evidence is currently insufficient to determine the role of this variant in disease. Therefore, it has been classified as a Variant of Uncertain Significance.